The following is an entry in ClinVar:

ClinVar aggregate classification (germline): Benign (1 of 4 stars; one submission).

Allele frequency attached by ClinVar (database versions not stated): 1000 Genomes Project 0.14976; 1000 Genomes Project 30x 0.15240; gnomAD 0.18416 and 0.18980; TOPMed 0.18991.
gnomAD v4.1: 28,130 of 152,048 alleles (19%); highest among the groups gnomAD compares: Middle Eastern, 31%; 2,864 homozygotes.

Submissions (7):

GeneDx
Classification: Benign. Last evaluated: 2018-06-20. Review status: criteria provided, single submitter. Criteria: GeneDx Variant Classification (06012015). Collection method: clinical testing. Allele origin: germline. Affected: yes.
Comment: This variant is considered likely benign or benign based on one or more of the following criteria: it is a conservative change, it occurs at a poorly conserved position in the protein, it is predicted to be benign by multiple in silico algorithms, and/or has population frequency not consistent with disease.

Dr. Peter K. Rogan Lab, Western University
No classification provided (evidence only). Condition: Acute myeloid leukemia. Review status: no classification provided. Collection method: in vitro. Allele origin: not applicable. Functional consequence: retained intron. Not counted in ClinVar's aggregate classification.

Dr. Peter K. Rogan Lab, Western University
No classification provided (evidence only). Condition: Acute myeloid leukemia. Review status: no classification provided. Collection method: in vitro. Allele origin: not applicable. Functional consequence: retained intron. Not counted in ClinVar's aggregate classification.

Dr. Peter K. Rogan Lab, Western University
No classification provided (evidence only). Condition: Acute myeloid leukemia. Review status: no classification provided. Collection method: in vitro. Allele origin: not applicable. Functional consequence: retained intron. Not counted in ClinVar's aggregate classification.

Dr. Peter K. Rogan Lab, Western University
No classification provided (evidence only). Condition: Cholangiocarcinoma. Review status: no classification provided. Collection method: in vitro. Allele origin: not applicable. Functional consequence: retained intron. Not counted in ClinVar's aggregate classification.

Dr. Peter K. Rogan Lab, Western University
No classification provided (evidence only). Condition: Cholangiocarcinoma. Review status: no classification provided. Collection method: in vitro. Allele origin: not applicable. Functional consequence: retained intron. Not counted in ClinVar's aggregate classification.

Dr. Peter K. Rogan Lab, Western University
No classification provided (evidence only). Condition: Uterine carcinosarcoma. Review status: no classification provided. Collection method: in vitro. Allele origin: not applicable. Functional consequence: retained intron. Not counted in ClinVar's aggregate classification.

NM_002907.4(RECQL):c.1447+198C>T

Gene: RECQL (RecQ like helicase; minus strand). Cytogenetic location: 12p12.1.
Variant type: single nucleotide variant.
Coding change: c.1447+198C>T on transcript NM_002907.4 (MANE Select); 198 bases into the intron after coding-DNA position 1447, C replaced by T.
Molecular consequence: intron variant.
Genome position (GRCh38, 1-based): chr12:21,473,353, G>A on the plus strand (C>T on the coding strand, the complement: RECQL is on the minus strand). VCF-style: chr12-21473353-G-A. GRCh37 (hg19) VCF-style: chr12-21626287-G-A.
Other names: NC_000012.11:g.21626287G>A; c.1447+198C>T (NM_032941.3).
Identifiers: ClinVar variation 679725 (VCV000679725.2), dbSNP rs917851, ClinGen allele CA15756607.